The following is an entry in ClinVar:

ClinVar aggregate classification (germline): Uncertain significance. Review status: criteria provided, single submitter (1 of 4 stars). 2 submissions from 2 submitters: Uncertain significance (1). 1 of the submissions does not count toward it. Last evaluated 2022-04-24.

Conditions:
Familial Mediterranean fever (FMF). Also called: POLYSEROSITIS, FAMILIAL PAROXYSMAL; POLYSEROSITIS, RECURRENT; Periodic peritonitis; Benign paroxysmal peritonitis. Identifiers: Orphanet 342, MedGen C0031069, MONDO:0018088, OMIM 249100. Disease mechanism: gain of function.

Allele frequency attached by ClinVar (database versions not stated): gnomAD exomes below 0.00001.
gnomAD v4.1: 2 of 1,614,230 alleles (0.00012%); highest among the groups gnomAD compares: East Asian, 0.0022%; no homozygotes.

Submissions (2):

Labcorp Genetics (formerly Invitae), Labcorp
Classification: Uncertain significance for Familial Mediterranean fever. Last evaluated: 2022-04-24. Review status: criteria provided, single submitter. Criteria: Invitae Variant Classification Sherloc (09022015). Collection method: clinical testing. Allele origin: germline.
Comment: In summary, the available evidence is currently insufficient to determine the role of this variant in disease. Therefore, it has been classified as a Variant of Uncertain Significance. Algorithms developed to predict the effect of missense changes on protein structure and function (SIFT, PolyPhen-2, Align-GVGD) all suggest that this variant is likely to be tolerated. ClinVar contains an entry for this variant (Variation ID: 1060125). This variant has not been reported in the literature in individuals affected with MEFV-related conditions. This variant is not present in population databases (gnomAD no frequency). This sequence change replaces lysine, which is basic and polar, with arginine, which is basic and polar, at codon 376 of the MEFV protein (p.Lys376Arg).

Natera, Inc.
Classification: Uncertain significance for Familial Mediterranean fever. Last evaluated: 2021-04-29. Review status: no assertion criteria provided. Collection method: clinical testing. Allele origin: germline. Not counted in ClinVar's aggregate classification.

NM_000243.3(MEFV):c.1127A>G (p.Lys376Arg)

Gene: MEFV (MEFV innate immunity regulator, pyrin; minus strand). Cytogenetic location: 16p13.3.
Variant type: single nucleotide variant.
Coding change: c.1127A>G on transcript NM_000243.3 (MANE Select); coding-DNA position 1127, A replaced by G.
Protein change: p.Lys376Arg; replaces lysine 376 with arginine.
Molecular consequence: missense variant.
Genome position (GRCh38, 1-based): chr16:3,249,564, T>C on the plus strand (A>G on the coding strand, the complement: MEFV is on the minus strand). VCF-style: chr16-3249564-T-C. GRCh37 (hg19) VCF-style: chr16-3299564-T-C.
Other names: c.494A>G, p.Lys165Arg (NM_001198536.2); short protein forms K165R, K376R.
Identifiers: ClinVar variation 1060125 (VCV001060125.12), dbSNP rs1009404209, ClinGen allele CA276898838.